The following is an entry in ClinVar:

NM_001134673.4(NFIA):c.344GAA[4] (p.Arg116_Ile117insArgArg)

Gene: NFIA (nuclear factor I A; plus strand). Cytogenetic location: 1p31.3.
Variant type: Microsatellite.
Coding change: c.344GAA[4] on transcript NM_001134673.4 (MANE Select); four copies in a row of the 3-base unit GAA starting at c.344; the reference has two copies in a row; two copies, 6 bases duplicated.
Protein change: p.Arg116_Ile117insArgArg.
Genome position (GRCh38, 1-based): chr1:61,088,465-61,088,470, GAAGAA duplicated. VCF-style (leftmost placement, unchanged base first): chr1-61088464-C-CGAAGAA. GRCh37 (hg19) VCF-style: chr1-61554136-C-CGAAGAA.
Other names: c.320GAA[4], p.Arg108_Ile109insArgArg (NM_001145511.2); c.479GAA[4], p.Arg161_Ile162insArgArg (NM_001145512.2); c.344GAA[4], p.Arg116_Ile117insArgArg (NM_005595.5).
Identifiers: ClinVar variation 3360111 (VCV003360111.1).

ClinVar aggregate classification (germline): Uncertain significance (1 of 4 stars; one submission).

Submission:

GeneDx
Classification: Uncertain significance. Last evaluated: 2023-06-27. Review status: criteria provided, single submitter. Criteria: GeneDx Variant Classification Process June 2021. Collection method: clinical testing. Allele origin: germline. Affected: yes.
Comment: Not observed at significant frequency in large population cohorts (gnomAD); In-frame duplication of 2 amino acids in a non-repeat region; Has not been previously published as pathogenic or benign to our knowledge.